The following is an entry in ClinVar:

NM_015702.3(MMADHC):c.419dup (p.Tyr140Ter)

Gene: MMADHC (metabolism of cobalamin associated D; minus strand). Cytogenetic location: 2q23.2.
Variant type: Duplication.
Coding change: c.419dup on transcript NM_015702.3 (MANE Select); coding-DNA position 419, one base duplicated (A; older notation c.419dupA).
Protein change: p.Tyr140Ter; replaces tyrosine 140 with a stop codon.
Molecular consequence: nonsense.
Genome position (GRCh38, 1-based): chr2:149,576,496, T duplicated on the plus strand (A on the coding strand, the reverse complement: MMADHC is on the minus strand). VCF-style (leftmost placement, unchanged base first): chr2-149576495-G-GT. GRCh37 (hg19) VCF-style: chr2-150433009-G-GT.
Other names: c.419dupA (NM_015702.2); short protein forms Y140*.
Identifiers: ClinVar variation 768 (VCV000000768.20), dbSNP rs397509363, ClinGen allele CA251601.

ClinVar aggregate classification (germline): Pathogenic/Likely pathogenic. Review status: criteria provided, multiple submitters, no conflicts (2 of 4 stars). 6 submissions from 6 submitters: Pathogenic (4); Likely pathogenic (1). 1 of the submissions does not count toward it. Last evaluated 2025-08-26.

Conditions:
MMADHC-related disorders.
Methylmalonic aciduria and homocystinuria type cblD (MAHCD). Also called: METHYLMALONIC ACIDEMIA, cblH TYPE; Methylmalonic aciduria with homocystinuria cblD type. Identifiers: Orphanet 622, Orphanet 79283, MedGen C1848552, MONDO:0010185, OMIM 277410.

Allele frequency attached by ClinVar (database versions not stated): TOPMed 0.00001; gnomAD exomes 0.00002; gnomAD 0.00002 and 0.00001.

Submissions (6):

Natera, Inc.
Classification: Pathogenic for Methylmalonic aciduria with homocystinuria cblD type. Last evaluated: 2025-08-26. Review status: criteria provided, single submitter. Criteria: Natera Variant Classification Schema (03/2026). Collection method: clinical testing. Allele origin: germline.
Comment: The c.419dupA variant in MMADHC is a frameshift variant predicted to shift the reading frame and introduce a stop codon. This variant is expected to result in nonsense mediated decay, truncation, or a dysfunctional protein product. This variant is rare in the general population with a frequency below the threshold expected for the associated phenotype(s). This variant has been observed in one or more individuals affected with the associated recessive disease, as either homozygous or compound heterozygous with a second variant (PMID: 18385497). Given the available evidence, this variant is classified as Pathogenic.

Laboratory of Genetics, Children's Clinical University Hospital Latvia
Classification: Pathogenic. Last evaluated: 2025-02-16. Review status: criteria provided, single submitter. Criteria: ACMG Guidelines, 2015. Collection method: clinical testing. Allele origin: germline. Affected: yes.

Labcorp Genetics (formerly Invitae), Labcorp
Classification: Pathogenic for Methylmalonic aciduria and homocystinuria type cblD. Last evaluated: 2023-03-22. Review status: criteria provided, single submitter. Criteria: Invitae Variant Classification Sherloc (09022015). Collection method: clinical testing. Allele origin: germline.
Comment: This sequence change creates a premature translational stop signal (p.Tyr140*) in the MMADHC gene. It is expected to result in an absent or disrupted protein product. Loss-of-function variants in MMADHC are known to be pathogenic (PMID: 18385497). This variant is present in population databases (rs397509363, gnomAD 0.004%). This premature translational stop signal has been observed in individual(s) with MMADHC-related conditions (PMID: 18385497). ClinVar contains an entry for this variant (Variation ID: 768). For these reasons, this variant has been classified as Pathogenic.

Revvity Omics, Revvity
Classification: Pathogenic for Methylmalonic aciduria and homocystinuria type cblD. Last evaluated: 2022-06-03. Review status: criteria provided, single submitter. Criteria: ACMG Guidelines, 2015. Collection method: clinical testing. Allele origin: germline.

Blueprint Genetics
Classification: Likely pathogenic for MMADHC-related disorders. Last evaluated: 2021-04-29. Review status: criteria provided, single submitter. Criteria: ACMG Guidelines, 2015. Collection method: clinical testing. Allele origin: germline. Affected: yes. Observed: 3 variant alleles.

OMIM
Classification: Pathogenic for METHYLMALONIC ACIDURIA AND HOMOCYSTINURIA, cblD TYPE. Last evaluated: 2008-04-03. Review status: no assertion criteria provided. Collection method: literature only. Allele origin: germline. Not counted in ClinVar's aggregate classification.

Literature cited by the submitters: PubMed 18385497 (cited by 3 submitters).